The following is an entry in ClinVar:

ClinVar aggregate classification (germline): Uncertain significance (1 of 4 stars; one submission).

Conditions:
Inborn genetic diseases. Identifiers: MedGen C0950123, MeSH D030342.

Submission:

Ambry Genetics
Classification: Uncertain significance for Inborn genetic diseases. Last evaluated: 2025-11-18. Review status: criteria provided, single submitter. Criteria: Ambry Variant Classification Scheme 2023. Collection method: clinical testing. Allele origin: germline.
Comment: The p.A333V variant (also known as c.998C>T), located in coding exon 5 of the RECQL4 gene, results from a C to T substitution at nucleotide position 998. The alanine at codon 333 is replaced by valine, an amino acid with similar properties. This amino acid position is conserved. In addition, this alteration is predicted to be tolerated by in silico analysis. Based on the available evidence, the clinical significance of this variant remains unclear.

NM_004260.4(RECQL4):c.998C>T (p.Ala333Val)

Gene: RECQL4 (RecQ like helicase 4; minus strand). Cytogenetic location: 8q24.3.
Variant type: single nucleotide variant.
Coding change: c.998C>T on transcript NM_004260.4 (MANE Select); coding-DNA position 998, C replaced by T.
Protein change: p.Ala333Val; replaces alanine 333 with valine.
Molecular consequence: missense variant. On other transcripts: non-coding transcript variant (3), intron variant (3), 5 prime UTR variant (16).
Genome position (GRCh38, 1-based): chr8:144,516,121, G>A on the plus strand (C>T on the coding strand, the complement: RECQL4 is on the minus strand). VCF-style: chr8-144516121-G-A. GRCh37 (hg19) VCF-style: chr8-145741505-G-A.
Other names: c.998C>T, p.Ala333Val (NM_001413018.1, NM_001413019.1, NM_001413039.1 and 2 more transcripts); c.953+45C>T (NM_001413017.1, NM_001413020.1); c.-23+45C>T (NM_001413034.1); c.-74C>T (NM_001413040.1, NM_001413042.1, NM_001413021.1 and 7 more transcripts); c.-136C>T (NM_001413041.1, NM_001413027.1, NM_001413030.1 and 2 more transcripts); c.-343C>T (NM_001413043.1); c.869C>T, p.Ala290Val (NM_001413025.1); c.647C>T, p.Ala216Val (NM_001413029.1); short protein forms A216V, A333V, A290V.
Identifiers: ClinVar variation 4628974 (VCV004628974.1).